The following is an entry in ClinVar:

ClinVar aggregate classification (germline): Benign (1 of 4 stars; one submission).

Conditions:
Von Hippel-Lindau syndrome (VHLS). Also called: Von Hippel-Lindau; von Hippel–Lindau syndrome; VHL syndrome. Identifiers: Orphanet 892, MedGen C0019562, MONDO:0008667, OMIM 193300. Disease mechanism: loss of function.

Submission:

Myriad Genetics, Inc.
Classification: Benign for Von Hippel-Lindau syndrome. Last evaluated: 2025-06-10. Review status: criteria provided, single submitter. Criteria: Myriad Autosomal Dominant, Autosomal Recessive and X-Linked Classification Criteria (2023). Collection method: clinical testing. Allele origin: unknown.
Comment: This variant is considered benign. This variant is a silent/synonymous amino acid change and it is not expected to impact splicing.

NM_000551.4(VHL):c.243G>T (p.Pro81=)

Gene: VHL (von Hippel-Lindau tumor suppressor; plus strand). Cytogenetic location: 3p25.3.
Variant type: single nucleotide variant.
Coding change: c.243G>T on transcript NM_000551.4 (MANE Select); coding-DNA position 243, G replaced by T.
Protein change: p.Pro81=; no amino-acid change (proline 81 retained).
Molecular consequence: synonymous variant. On other transcripts: non-coding transcript variant (1).
Genome position (GRCh38, 1-based): chr3:10,142,090, G>T. VCF-style: chr3-10142090-G-T. GRCh37 (hg19) VCF-style: chr3-10183774-G-T.
Other names: c.243G>T, p.Pro81= (NM_001354723.2, NM_198156.3).
Identifiers: ClinVar variation 4071324 (VCV004071324.1).
Genomic context (GRCh38, chr3:10,142,090, plus strand): 5'-CGTGCTGCGCTCGGTGAACTCGCGCGAGCCCTCCCAGGTCATCTTCTGCAATCGCAGTCC[G>T]CGCGTCGTGCTGCCCGTATGGCTCAACTTCGACGGCGAGCCGCAGCCCTACCCAACGCTG-3'
Protein context (NP_000542.1, residues 71-91): PSQVIFCNRS[Pro81=]RVVLPVWLNF